The following is an entry in ClinVar:

ClinVar aggregate classification (germline): Likely pathogenic (1 of 4 stars; one submission).

Conditions:
Autosomal recessive limb-girdle muscular dystrophy type 2J (LGMDR10). Also called: Limb-girdle muscular dystrophy, type 2J; MUSCULAR DYSTROPHY, LIMB-GIRDLE, AUTOSOMAL RECESSIVE 10. Identifiers: Orphanet 140922, MedGen C1837342, MONDO:0012127, OMIM 608807.
Dilated cardiomyopathy 1G (CMD1G). Identifiers: Orphanet 154, MedGen C1858763, MONDO:0011400, OMIM 604145.

Submission:

Labcorp Genetics (formerly Invitae), Labcorp
Classification: Likely pathogenic for Dilated cardiomyopathy 1G; Autosomal recessive limb-girdle muscular dystrophy type 2J. Last evaluated: 2023-12-06. Review status: criteria provided, single submitter. Criteria: Invitae Variant Classification Sherloc (09022015). Collection method: clinical testing. Allele origin: germline.
Comment: This sequence change creates a premature translational stop signal (p.Tyr35096*) in the TTN gene. While this is not anticipated to result in nonsense mediated decay, it is expected to create a truncated TTN protein. This variant is not present in population databases (gnomAD no frequency). This variant has not been reported in the literature in individuals affected with TTN-related conditions. This variant is located in the M band of TTN (PMID: 25589632). Truncating variants in this region have been previously reported in individuals affected with autosomal recessive myopathy and muscular dystrophy (PMID: 18948003, 23975875, 24395473). Truncating variants in this region have also been identified in individuals affected with autosomal dominant dilated cardiomyopathy and/or cardio-related conditions (PMID: 27869827, 32964742). In summary, the currently available evidence indicates that the variant is pathogenic, but additional data are needed to prove that conclusively. Therefore, this variant has been classified as Likely Pathogenic.

Literature cited by the submitters: PubMed 25589632; PubMed 18948003; PubMed 23975875; PubMed 24395473; PubMed 27869827; PubMed 32964742.

NM_001267550.2(TTN):c.105288del (p.Ser35095_Tyr35096insTer)

Genes: TTN-AS1 (TTN antisense RNA 1; plus strand), TTN (titin; minus strand). Cytogenetic location: 2q31.2.
Variant type: Deletion.
Coding change: c.105288del on transcript NM_001267550.2 (MANE Select); coding-DNA position 105288, one base deleted (T; older notation c.105288delT).
Protein change: p.Ser35095_Tyr35096insTer.
Molecular consequence: nonsense.
Genome position (GRCh38, 1-based): chr2:178,531,327, A deleted on the plus strand (T on the coding strand, the reverse complement: TTN is on the minus strand). VCF-style (leftmost placement, unchanged base first): chr2-178531326-CA-C. GRCh37 (hg19) VCF-style: chr2-179396053-CA-C.
Other names: c.100365del, p.Ser33454_Tyr33455insTer (NM_001256850.1); c.78093del, p.Ser26030_Tyr26031insTer (NM_003319.4); c.97584del, p.Ser32527_Tyr32528insTer (NM_133378.4); c.78468del, p.Ser26155_Tyr26156insTer (NM_133432.3); c.78669del, p.Ser26222_Tyr26223insTer (NM_133437.4).
Identifiers: ClinVar variation 2953331 (VCV002953331.3), dbSNP rs2468405648, ClinGen allele CA2740095953.